The following is an entry in ClinVar:

NM_000059.4(BRCA2):c.8632+982G>A

Gene: BRCA2 (BRCA2 DNA repair associated; plus strand). Cytogenetic location: 13q13.1.
Variant type: single nucleotide variant.
Coding change: c.8632+982G>A on transcript NM_000059.4 (MANE Select); 982 bases into the intron after coding-DNA position 8632, G replaced by A.
Molecular consequence: intron variant.
Genome position (GRCh38, 1-based): chr13:32,372,082, G>A. VCF-style: chr13-32372082-G-A. GRCh37 (hg19) VCF-style: chr13-32946219-G-A.
Other names: IVS 20+982G>A.
Identifiers: ClinVar variation 209823 (VCV000209823.1), dbSNP rs11571752, ClinGen allele CA276791.
Genomic context (GRCh38, chr13:32,372,082, plus strand): 5'-GGTGAAGGTTGGGGCAGTTGTGGCAATTTCTTAAAATAAGACAATGGCATTTGCAACATT[G>A]ATTGGCTTTTCCTTTCATGAAAGATTTCTCTGTAGCATGCAATGCTGTTTGATAGCATTT-3'

ClinVar aggregate classification (germline): Benign (3 of 4 stars; one submission).

Conditions:
Breast-ovarian cancer, familial, susceptibility to, 2 (BROVCA2). Also called: BRCA2 Hereditary Breast and Ovarian Cancer. Identifiers: Orphanet 145, MedGen C2675520, MONDO:0012933, OMIM 612555. Disease mechanism: loss of function.

Allele frequency attached by ClinVar (database versions not stated): gnomAD 0.00724 and 0.00769; TOPMed 0.00807; 1000 Genomes Project 0.00819; 1000 Genomes Project 30x 0.00984.
gnomAD v4.1: 1,092 of 152,270 alleles (0.72%); highest among the groups gnomAD compares: African/African-American, 2.4%; 11 homozygotes.

Submission:

Evidence-based Network for the Interpretation of Germline Mutant Alleles (ENIGMA)
Classification: Benign for Breast-ovarian cancer, familial 2. Last evaluated: 2015-01-12. Review status: reviewed by expert panel. Criteria: ENIGMA BRCA1/2 Classification Criteria (2015). Collection method: curation. Allele origin: germline.
Comment: Class 1 not pathogenic based on frequency >1% in an outbred sampleset. Frequency 0.01829 (African), derived from 1000 genomes (2012-04-30).